The following is an entry in ClinVar:

ClinVar aggregate classification (germline): Uncertain significance (1 of 4 stars; one submission).

gnomAD v4.1: 4 of 1,561,958 alleles (0.00026%); highest among the groups gnomAD compares: Admixed American, 0.0068%; no homozygotes.

Submission:

Labcorp Genetics (formerly Invitae), Labcorp
Classification: Uncertain significance. Last evaluated: 2025-09-08. Review status: criteria provided, single submitter. Criteria: Invitae Variant Classification Sherloc (09022015). Collection method: clinical testing. Allele origin: germline.
Comment: This sequence change falls in intron 17 of the DIAPH3 gene. It does not directly change the encoded amino acid sequence of the DIAPH3 protein. It affects a nucleotide within the consensus splice site. This variant is not present in population databases (gnomAD no frequency). This variant has not been reported in the literature in individuals affected with DIAPH3-related conditions. Variants that disrupt the consensus splice site are a relatively common cause of aberrant splicing (PMID: 17576681, 9536098). Algorithms developed to predict the effect of sequence changes on RNA splicing suggest that this variant is not likely to affect RNA splicing. In summary, the available evidence is currently insufficient to determine the role of this variant in disease. Therefore, it has been classified as a Variant of Uncertain Significance.

Literature cited by the submitters: PubMed 17576681; PubMed 9536098.

NM_001042517.2(DIAPH3):c.2074+5G>C

Gene: DIAPH3 (diaphanous related formin 3; minus strand). Cytogenetic location: 13q21.2.
Variant type: single nucleotide variant.
Coding change: c.2074+5G>C on transcript NM_001042517.2 (MANE Select); 5 bases into the intron after coding-DNA position 2074, G replaced by C.
Molecular consequence: intron variant.
Genome position (GRCh38, 1-based): chr13:59,969,939, C>G on the plus strand (G>C on the coding strand, the complement: DIAPH3 is on the minus strand). VCF-style: chr13-59969939-C-G. GRCh37 (hg19) VCF-style: chr13-60544073-C-G.
Other names: c.1864+5G>C (NM_001258368.2); c.1936+5G>C (NM_001258367.2); c.2041+5G>C (NM_001258366.2); c.2074+5G>C (NM_001258369.2); c.1285+5G>C (NM_030932.4, NM_001258370.2).
Identifiers: ClinVar variation 4692994 (VCV004692994.1).